The following is an entry in ClinVar:

ClinVar aggregate classification (germline): Uncertain significance (1 of 4 stars; one submission).

Submission:

Ambry Genetics
Classification: Uncertain significance. Last evaluated: 2024-10-12. Review status: criteria provided, single submitter. Criteria: Ambry Variant Classification Scheme 2023. Collection method: clinical testing. Allele origin: germline.
Comment: The p.L2327P variant (also known as c.6980T>C), located in coding exon 25 of the POLQ gene, results from a T to C substitution at nucleotide position 6980. The leucine at codon 2327 is replaced by proline, an amino acid with similar properties. This amino acid position is conserved. In addition, this alteration is predicted to be deleterious by in silico analysis. Since supporting evidence is limited at this time, the clinical significance of this alteration remains unclear.

NM_199420.4(POLQ):c.6980T>C (p.Leu2327Pro)

Gene: POLQ (DNA polymerase theta; minus strand). Cytogenetic location: 3q13.33.
Variant type: single nucleotide variant.
Coding change: c.6980T>C on transcript NM_199420.4 (MANE Select); coding-DNA position 6980, T replaced by C.
Protein change: p.Leu2327Pro; replaces leucine 2327 with proline.
Molecular consequence: missense variant.
Genome position (GRCh38, 1-based): chr3:121,460,222, A>G on the plus strand (T>C on the coding strand, the complement: POLQ is on the minus strand). VCF-style: chr3-121460222-A-G. GRCh37 (hg19) VCF-style: chr3-121179069-A-G.
Other names: short protein forms L2327P.
Identifiers: ClinVar variation 1756432 (VCV001756432.3), dbSNP rs2546764897, ClinGen allele CA354107882.